The following is an entry in ClinVar:

ClinVar aggregate classification (germline): Uncertain significance (1 of 4 stars; one submission).

Conditions:
TWIST1-related craniosynostosis (CRS1). Also called: CRANIOSYNOSTOSIS 1. Identifiers: Orphanet 63440, MedGen C4551902, MONDO:0007399, OMIM 123100. Inheritance: Heterogenous inheritance pattern.
Saethre-Chotzen syndrome (SCS). Also called: ACROCEPHALY, SKULL ASYMMETRY, AND MILD SYNDACTYLY; ACS III; CHOTZEN SYNDROME. Identifiers: Orphanet 794, MedGen C0175699, MONDO:0007042, OMIM 101400.

Allele frequency attached by ClinVar (database versions not stated): gnomAD exomes below 0.00001.
gnomAD v4.1: 1 of 1,608,442 alleles (0.000062%); highest among the groups gnomAD compares: Non-Finnish European, 0.000085%; no homozygotes.

Submission:

Labcorp Genetics (formerly Invitae), Labcorp
Classification: Uncertain significance for TWIST1-related craniosynostosis; Saethre-Chotzen syndrome. Last evaluated: 2023-01-20. Review status: criteria provided, single submitter. Criteria: Invitae Variant Classification Sherloc (09022015). Collection method: clinical testing. Allele origin: germline.
Comment: In summary, the available evidence is currently insufficient to determine the role of this variant in disease. Therefore, it has been classified as a Variant of Uncertain Significance. This variant disrupts the p.Arg110 amino acid residue in TWIST1. Other variant(s) that disrupt this residue have been determined to be pathogenic (Invitae). This suggests that this residue is clinically significant, and that variants that disrupt this residue are likely to be disease-causing. Algorithms developed to predict the effect of missense changes on protein structure and function (SIFT, PolyPhen-2, Align-GVGD) all suggest that this variant is likely to be disruptive. This missense change has been observed in individual(s) with TWIST1-related conditions (Invitae). This variant is not present in population databases (gnomAD no frequency). This sequence change replaces arginine, which is basic and polar, with glycine, which is neutral and non-polar, at codon 110 of the TWIST1 protein (p.Arg110Gly).

NM_000474.4(TWIST1):c.328C>G (p.Arg110Gly)

Gene: TWIST1 (twist family bHLH transcription factor 1; minus strand). Cytogenetic location: 7p21.1.
Variant type: single nucleotide variant.
Coding change: c.328C>G on transcript NM_000474.4 (MANE Select); coding-DNA position 328, C replaced by G.
Protein change: p.Arg110Gly; replaces arginine 110 with glycine.
Molecular consequence: missense variant. On other transcripts: non-coding transcript variant (1).
Genome position (GRCh38, 1-based): chr7:19,116,994, G>C on the plus strand (C>G on the coding strand, the complement: TWIST1 is on the minus strand). VCF-style: chr7-19116994-G-C. GRCh37 (hg19) VCF-style: chr7-19156617-G-C.
Other names: short protein forms R110G.
Identifiers: ClinVar variation 2941873 (VCV002941873.3), dbSNP rs1585617188, ClinGen allele CA367015673.